The following is an entry in ClinVar:

ClinVar aggregate classification (germline): Uncertain significance (1 of 4 stars; one submission).

Conditions:
Tumor predisposition syndrome 3 (TPDS3). Also called: Glioma susceptibility 9; LONG TELOMERE SYNDROME, POT1-RELATED; POT1 Tumor Predisposition; Melanoma, cutaneous malignant, susceptibility to, 10. Identifiers: Orphanet 618, MedGen C4014476, MONDO:0014368, OMIM 615848.

Submission:

Labcorp Genetics (formerly Invitae), Labcorp
Classification: Uncertain significance for Tumor predisposition syndrome 3. Last evaluated: 2020-06-01. Review status: criteria provided, single submitter. Criteria: Invitae Variant Classification Sherloc (09022015). Collection method: clinical testing. Allele origin: germline.
Comment: In summary, the available evidence is currently insufficient to determine the role of this variant in disease. Therefore, it has been classified as a Variant of Uncertain Significance. Experimental studies and prediction algorithms are not available for this variant, and the functional significance of the duplicated amino acids is currently unknown. This variant has not been reported in the literature in individuals with POT1-related disease. ClinVar contains an entry for this variant (Variation ID: 475090). This variant is not present in population databases (ExAC no frequency). This variant, c.598_606dupGACCTTGTT, results in the insertion of 3 amino acids to the POT1 protein (p.Asp200_Val202dup), but otherwise preserves the integrity of the reading frame.

NM_015450.3(POT1):c.598_606dup (p.Asp200_Val202dup)

Gene: POT1 (protection of telomeres 1; minus strand). Cytogenetic location: 7q31.33.
Variant type: Duplication.
Coding change: c.598_606dup on transcript NM_015450.3 (MANE Select); coding-DNA positions 598 to 606, 9 bases duplicated (GACCTTGTT; older notation c.598_606dupGACCTTGTT).
Protein change: p.Asp200_Val202dup.
Molecular consequence: inframe insertion. On other transcripts: non-coding transcript variant (3).
Genome position (GRCh38, 1-based): chr7:124,859,053-124,859,061, AACAAGGTC duplicated on the plus strand (GACCTTGTT on the coding strand, the reverse complement: POT1 is on the minus strand). VCF-style (leftmost placement, unchanged base first): chr7-124859052-G-GAACAAGGTC. GRCh37 (hg19) VCF-style: chr7-124499106-G-GAACAAGGTC.
Other names: c.205_213dup, p.Asp69_Val71dup (NM_001042594.2); c.598_606dupGACCTTGTT (NM_015450.2).
Identifiers: ClinVar variation 475090 (VCV000475090.9), dbSNP rs1554425767, ClinGen allele CA658657712.